The following is an entry in ClinVar:

NM_014845.6(FIG4):c.1718C>A (p.Thr573Asn)

Gene: FIG4 (FIG4 phosphoinositide 5-phosphatase; plus strand). Cytogenetic location: 6q21.
Variant type: single nucleotide variant.
Coding change: c.1718C>A on transcript NM_014845.6 (MANE Select); coding-DNA position 1718, C replaced by A.
Protein change: p.Thr573Asn; replaces threonine 573 with asparagine.
Molecular consequence: missense variant.
Genome position (GRCh38, 1-based): chr6:109,766,863, C>A. VCF-style: chr6-109766863-C-A. GRCh37 (hg19) VCF-style: chr6-110088066-C-A.
Other names: p.Thr573Asn; short protein forms T573N.
Identifiers: ClinVar variation 4541199 (VCV004541199.1).

ClinVar aggregate classification (germline): Uncertain significance (1 of 4 stars; one submission).

gnomAD v4.1: 2 of 1,614,064 alleles (0.00012%); highest among the groups gnomAD compares: Non-Finnish European, 0.00017%; no homozygotes.

Submission:

Mayo Clinic Laboratories, Mayo Clinic
Classification: Uncertain significance. Last evaluated: 2025-05-11. Review status: criteria provided, single submitter. Criteria: ACMG Guidelines, 2015. Collection method: clinical testing. Allele origin: germline. Observed: 1 variant allele.
Comment: PM2_supporting